The following is an entry in ClinVar:

ClinVar aggregate classification (germline): Likely benign. Review status: criteria provided, multiple submitters, no conflicts (2 of 4 stars). 2 submissions from 2 submitters: Likely benign (2). Last evaluated 2024-01-15.

Conditions:
2-aminoadipic 2-oxoadipic aciduria (AAKAD). Also called: Aminoadipic aciduria; ALPHA-AMINOADIPIC AND ALPHA-KETOADIPIC ACIDURIA. Identifiers: Orphanet 79154, MedGen C1859817, MONDO:0008774, OMIM 204750.

Allele frequency attached by ClinVar (database versions not stated): ExAC 0.00002; gnomAD 0.00004; 1000 Genomes Project 30x 0.00016; 1000 Genomes Project 0.00020.
gnomAD v4.1: 29 of 1,614,140 alleles (0.0018%); highest among the groups gnomAD compares: African/African-American, 0.0067%; no homozygotes.

Submissions (2):

Labcorp Genetics (formerly Invitae), Labcorp
Classification: Likely benign for 2-aminoadipic 2-oxoadipic aciduria. Last evaluated: 2024-01-15. Review status: criteria provided, single submitter. Criteria: Invitae Variant Classification Sherloc (09022015). Collection method: clinical testing. Allele origin: germline.

CeGaT Center for Human Genetics Tuebingen
Classification: Likely benign. Last evaluated: 2022-03-01. Review status: criteria provided, single submitter. Criteria: CeGaT Center For Human Genetics Tuebingen Variant Classification Criteria Version 2. Collection method: clinical testing. Allele origin: germline. Affected: yes. Observed: 1 variant allele.
Comment: DHTKD1: BP4, BP7

NM_018706.7(DHTKD1):c.891C>T (p.Ala297=)

Gene: DHTKD1 (dehydrogenase E1 and transketolase domain containing 1; plus strand). Cytogenetic location: 10p14.
Variant type: single nucleotide variant.
Coding change: c.891C>T on transcript NM_018706.7 (MANE Select); coding-DNA position 891, C replaced by T.
Protein change: p.Ala297=; no amino-acid change (alanine 297 retained).
Molecular consequence: synonymous variant.
Genome position (GRCh38, 1-based): chr10:12,089,159, C>T. VCF-style: chr10-12089159-C-T. GRCh37 (hg19) VCF-style: chr10-12131158-C-T.
Identifiers: ClinVar variation 2069446 (VCV002069446.28), dbSNP rs576048100, ClinGen allele CA5407673.